The following is an entry in ClinVar:

ClinVar aggregate classification (germline): Uncertain significance. Review status: criteria provided, multiple submitters, no conflicts (2 of 4 stars). 2 submissions from 2 submitters: Uncertain significance (2). Last evaluated 2024-11-14.

Allele frequency attached by ClinVar (database versions not stated): gnomAD 0.00007 and 0.00009; gnomAD exomes 0.00008; TOPMed 0.00008; ExAC 0.00010; ESP Exome Variant Server 0.00015; 1000 Genomes Project 30x 0.00016; 1000 Genomes Project 0.00020.
gnomAD v4.1: 217 of 1,614,166 alleles (0.013%); highest among the groups gnomAD compares: Middle Eastern, 0.033%; no homozygotes.

Submissions (2):

Blueprint Genetics
Classification: Uncertain significance. Last evaluated: 2024-11-14. Review status: criteria provided, single submitter. Criteria: ACMG Guidelines, 2015. Collection method: clinical testing. Allele origin: germline.

Labcorp Genetics (formerly Invitae), Labcorp
Classification: Uncertain significance. Last evaluated: 2022-10-17. Review status: criteria provided, single submitter. Criteria: Invitae Variant Classification Sherloc (09022015). Collection method: clinical testing. Allele origin: germline.
Comment: This sequence change replaces alanine, which is neutral and non-polar, with valine, which is neutral and non-polar, at codon 195 of the ADAMTS18 protein (p.Ala195Val). This variant is present in population databases (rs201002655, gnomAD 0.02%). This variant has not been reported in the literature in individuals affected with ADAMTS18-related conditions. ClinVar contains an entry for this variant (Variation ID: 1018547). Algorithms developed to predict the effect of missense changes on protein structure and function output the following: SIFT: "Not Available"; PolyPhen-2: "Benign"; Align-GVGD: "Not Available". The valine amino acid residue is found in multiple mammalian species, which suggests that this missense change does not adversely affect protein function. In summary, the available evidence is currently insufficient to determine the role of this variant in disease. Therefore, it has been classified as a Variant of Uncertain Significance.

NM_199355.4(ADAMTS18):c.584C>T (p.Ala195Val)

Gene: ADAMTS18 (ADAM metallopeptidase with thrombospondin type 1 motif 18; minus strand). Cytogenetic location: 16q23.1.
Variant type: single nucleotide variant.
Coding change: c.584C>T on transcript NM_199355.4 (MANE Select); coding-DNA position 584, C replaced by T.
Protein change: p.Ala195Val; replaces alanine 195 with valine.
Molecular consequence: missense variant.
Genome position (GRCh38, 1-based): chr16:77,367,635, G>A on the plus strand (C>T on the coding strand, the complement: ADAMTS18 is on the minus strand). VCF-style: chr16-77367635-G-A. GRCh37 (hg19) VCF-style: chr16-77401532-G-A.
Other names: c.64C>T, p.Arg22Trp (NM_001326358.2); short protein forms A195V, R22W.
Identifiers: ClinVar variation 1018547 (VCV001018547.7), dbSNP rs201002655, ClinGen allele CA8181626.